The following is an entry in ClinVar:

ClinVar aggregate classification (germline): Benign/Likely benign. Review status: criteria provided, multiple submitters, no conflicts (2 of 4 stars). 20 submissions from 14 submitters: Benign (11); Likely benign (6). 3 of the submissions do not count toward it. Last evaluated 2026-02-03.

Conditions:
Meacham syndrome. Also called: Meacham Winn Culler syndrome. Identifiers: Orphanet 3097, MedGen C1837026, MONDO:0012164, OMIM 608978.
Drash syndrome (DDS). Also called: NEPHROPATHY, WILMS TUMOR, AND GENITAL ANOMALIES; WILMS TUMOR AND PSEUDO- OR TRUE HERMAPHRODITISM. Identifiers: Orphanet 220, MedGen C0950121, MONDO:0008682, OMIM 194080.
Kidney disorder. Also called: Kidney disease; Kidney Diseases; renal disorder; Nephropathy; renal disease. Identifiers: MedGen C0022658, MONDO:0005240, HP:0000112.
Inborn genetic diseases. Identifiers: MedGen C0950123, MeSH D030342.
Frasier syndrome. Identifiers: Orphanet 347, MedGen C0950122, MeSH D052159, MONDO:0007635, OMIM 136680.
Wilms tumor 1 (WT1). Also called: Wilms tumor, somatic. Identifiers: Orphanet 654, MedGen CN033288, MONDO:0008679, OMIM 194070.
11p partial monosomy syndrome (WAGR). Also called: CHROMOSOME 11p13 DELETION SYNDROME; WAGR Complex; WAGR syndrome; WAGR Spectrum Disorder. Identifiers: Orphanet 893, MedGen C0206115, MONDO:0008681, OMIM 194072.
Nephrotic syndrome, type 4 (NPHS4). Also called: Familial mesangial sclerosis; Nephrotic syndrome, early onset with diffuse mesangial sclerosis. Identifiers: Orphanet 656, MedGen C3151568, MONDO:0009733, OMIM 256370.

Allele frequency attached by ClinVar (database versions not stated): gnomAD 0.00004 and 0.00082; TOPMed 0.00017; gnomAD exomes 0.00139 and 0.00273; ExAC 0.00328; 1000 Genomes Project 30x 0.00437; 1000 Genomes Project 0.00459.
gnomAD v4.1: 2,143 of 1,612,604 alleles (0.13%); highest among the groups gnomAD compares: South Asian, 2.2%; 41 homozygotes.

Submissions (20):

Labcorp Genetics (formerly Invitae), Labcorp
Classification: Benign for Wilms tumor 1; Drash syndrome; 11p partial monosomy syndrome; Frasier syndrome. Last evaluated: 2026-02-03. Review status: criteria provided, single submitter. Criteria: Invitae Variant Classification Sherloc (09022015). Collection method: clinical testing. Allele origin: germline.

Women's Health and Genetics/Laboratory Corporation of America, LabCorp
Classification: Benign. Last evaluated: 2024-11-06. Review status: criteria provided, single submitter. Criteria: LabCorp Variant Classification Summary - May 2015. Collection method: clinical testing. Allele origin: germline.

Blueprint Genetics
Classification: Likely benign. Last evaluated: 2024-10-23. Review status: criteria provided, single submitter. Criteria: ACMG Guidelines, 2015. Collection method: clinical testing. Allele origin: germline.

Ambry Genetics
Classification: Likely benign for Inborn genetic diseases. Last evaluated: 2024-08-21. Review status: criteria provided, single submitter. Criteria: Ambry Variant Classification Scheme 2023. Collection method: clinical testing. Allele origin: germline.

KCCC/NGS Laboratory, Kuwait Cancer Control Center
Classification: Benign for Wilms tumor 1. Last evaluated: 2023-07-07. Review status: criteria provided, single submitter. Criteria: ACMG Guidelines, 2015. Collection method: clinical testing. Allele origin: germline. Affected: yes.

Genome-Nilou Lab
Classification: Benign for Drash syndrome. Last evaluated: 2021-12-05. Review status: criteria provided, single submitter. Criteria: ACMG Guidelines, 2015. Collection method: clinical testing. Allele origin: germline. Affected: no.

Genome-Nilou Lab
Classification: Benign for Frasier syndrome. Last evaluated: 2021-12-05. Review status: criteria provided, single submitter. Criteria: ACMG Guidelines, 2015. Collection method: clinical testing. Allele origin: germline. Affected: no.

Genome-Nilou Lab
Classification: Benign for Meacham syndrome. Last evaluated: 2021-12-05. Review status: criteria provided, single submitter. Criteria: ACMG Guidelines, 2015. Collection method: clinical testing. Allele origin: germline. Affected: no.

Genome-Nilou Lab
Classification: Benign for Nephrotic syndrome, type 4. Last evaluated: 2021-12-05. Review status: criteria provided, single submitter. Criteria: ACMG Guidelines, 2015. Collection method: clinical testing. Allele origin: germline. Affected: no.

Genome-Nilou Lab
Classification: Benign for Wilms tumor 1. Last evaluated: 2021-12-05. Review status: criteria provided, single submitter. Criteria: ACMG Guidelines, 2015. Collection method: clinical testing. Allele origin: germline. Affected: no.

GeneDx
Classification: Likely benign. Last evaluated: 2020-07-10. Review status: criteria provided, single submitter. Criteria: GeneDx Variant Classification Process June 2021. Collection method: clinical testing. Allele origin: germline. Affected: yes.

Genome Diagnostics Laboratory, The Hospital for Sick Children
Classification: Likely benign for Kidney disorder. Last evaluated: 2020-02-01. Review status: criteria provided, single submitter. Criteria: ACMG Guidelines, 2015. Collection method: clinical testing. Allele origin: germline.

Illumina Laboratory Services, Illumina
Classification: Benign for Meacham syndrome. Last evaluated: 2018-01-12. Review status: criteria provided, single submitter. Criteria: ICSL Variant Classification Criteria 13 December 2019. Collection method: clinical testing. Allele origin: germline.
Comment: This variant was observed in the ICSL laboratory as part of a predisposition screen in an ostensibly healthy population. It had not been previously curated by ICSL or reported in the Human Gene Mutation Database (HGMD: prior to June 1st, 2018), and was therefore a candidate for classification through an automated scoring system. Utilizing variant allele frequency, disease prevalence and penetrance estimates, and inheritance mode, an automated score was calculated to assess if this variant is too frequent to cause the disease. Based on the score and internal cut-off values, a variant classified as benign is not then subjected to further curation. The score for this variant resulted in a classification of benign for this disease.

Illumina Laboratory Services, Illumina
Classification: Benign for Wilms tumor 1. Last evaluated: 2018-01-12. Review status: criteria provided, single submitter. Criteria: ICSL Variant Classification Criteria 13 December 2019. Collection method: clinical testing. Allele origin: germline.
Comment: the same text as in the submission from Illumina Laboratory Services, Illumina above.

Illumina Laboratory Services, Illumina
Classification: Likely benign for Nephrotic syndrome, type 4. Last evaluated: 2018-01-12. Review status: criteria provided, single submitter. Criteria: ICSL Variant Classification Criteria 13 December 2019. Collection method: clinical testing. Allele origin: germline.
Comment: This variant was observed in the ICSL laboratory as part of a predisposition screen in an ostensibly healthy population. It had not been previously curated by ICSL or reported in the Human Gene Mutation Database (HGMD: prior to June 1st, 2018), and was therefore a candidate for classification through an automated scoring system. Utilizing variant allele frequency, disease prevalence and penetrance estimates, and inheritance mode, an automated score was calculated to assess if this variant is too frequent to cause the disease. Based on the score and internal cut-off values, a variant classified as likely benign is not then subjected to further curation. The score for this variant resulted in a classification of likely benign for this disease.

Breakthrough Genomics
Classification: Likely benign. Review status: criteria provided, single submitter. Criteria: ACMG Guidelines, 2015. Collection method: not provided. Allele origin: germline. Inheritance: Autosomal dominant inheritance. Affected: yes.

PreventionGenetics, part of Exact Sciences
Classification: Benign. Review status: criteria provided, single submitter. Criteria: ACMG Guidelines, 2015. Collection method: clinical testing. Allele origin: germline.

Clinical Genetics DNA and cytogenetics Diagnostics Lab, Erasmus MC, Erasmus Medical Center
Classification: Likely benign. Review status: no assertion criteria provided. Collection method: clinical testing. Allele origin: germline. Affected: yes. Study: VKGL Data-share Consensus. Not counted in ClinVar's aggregate classification.

Genome Diagnostics Laboratory, Amsterdam University Medical Center
Classification: Benign. Review status: no assertion criteria provided. Collection method: clinical testing. Allele origin: germline. Affected: yes. Study: VKGL Data-share Consensus. Not counted in ClinVar's aggregate classification.

Genome Diagnostics Laboratory, University Medical Center Utrecht
Classification: Benign. Review status: no assertion criteria provided. Collection method: clinical testing. Allele origin: germline. Affected: yes. Study: VKGL Data-share Consensus. Not counted in ClinVar's aggregate classification.

NM_024426.6(WT1):c.513C>A (p.Gly171=)

Genes: WT1 (WT1 transcription factor; minus strand), LOC107982234 (WT1/WT1-AS bi-directional promoter region; plus strand). Cytogenetic location: 11p13.
Variant type: single nucleotide variant.
Coding change: c.513C>A on transcript NM_024426.6 (MANE Select); coding-DNA position 513, C replaced by A.
Protein change: p.Gly171=; no amino-acid change (glycine 171 retained).
Molecular consequence: synonymous variant. On other transcripts: non-coding transcript variant (1).
Genome position (GRCh38, 1-based): chr11:32,434,848, G>T on the plus strand (C>A on the coding strand, the complement: WT1 is on the minus strand). VCF-style: chr11-32434848-G-T. GRCh37 (hg19) VCF-style: chr11-32456394-G-T.
Other names: c.513C>A, p.Gly171= (NM_000378.6, NM_024424.5).
Identifiers: ClinVar variation 261712 (VCV000261712.29), dbSNP rs536728682, ClinGen allele CA065010.